The following is an entry in ClinVar:

NM_015047.3(EMC1):c.1195G>T (p.Gly399Cys)

Genes: EMC1 (ER membrane protein complex subunit 1; minus strand), EMC1-AS1 (EMC1 antisense RNA 1; plus strand). Cytogenetic location: 1p36.13.
Variant type: single nucleotide variant.
Coding change: c.1195G>T on transcript NM_015047.3 (MANE Select); coding-DNA position 1195, G replaced by T.
Protein change: p.Gly399Cys; replaces glycine 399 with cysteine.
Molecular consequence: missense variant.
Genome position (GRCh38, 1-based): chr1:19,238,034, C>A on the plus strand (G>T on the coding strand, the complement: EMC1 is on the minus strand). VCF-style: chr1-19238034-C-A. GRCh37 (hg19) VCF-style: chr1-19564528-C-A.
Other names: c.1192G>T, p.Gly398Cys (NM_001271427.2, NM_001375821.1); c.1195G>T, p.Gly399Cys (NM_001271428.2, NM_001375820.1); c.1129G>T, p.Gly377Cys (NM_001271429.2); short protein forms G377C, G398C, G399C.
Identifiers: ClinVar variation 3899785 (VCV003899785.1).
Genomic context (GRCh38, chr1:19,238,034, plus strand): 5'-GAGAAGCCCACAGGACAGTCTGCAAAGAAAGGCTCTGCCTTACCCGCTCAGGCCGAGTGC[C>A]GCTCTGTTCCAGGCTAAATGTTATCGTGGTGTCCAGCAGCCGCCGACCTGTCTCCACGAG-3'
Protein context (NP_055862.1, residues 389-409): TTITFSLEQS[Gly399Cys]TRPERLYIQV

ClinVar aggregate classification (germline): Uncertain significance (1 of 4 stars; one submission).

Submission:

GeneDx
Classification: Uncertain significance. Last evaluated: 2024-11-15. Review status: criteria provided, single submitter. Criteria: GeneDx Variant Classification Process June 2021. Collection method: clinical testing. Allele origin: germline. Affected: yes.
Comment: Not observed at significant frequency in large population cohorts (gnomAD); In silico analysis indicates that this missense variant does not alter protein structure/function; Has not been previously published as pathogenic or benign to our knowledge